The following is an entry in ClinVar:

NM_000094.4(COL7A1):c.4559C>T (p.Pro1520Leu)

Gene: COL7A1 (collagen type VII alpha 1 chain; minus strand). Cytogenetic location: 3p21.31.
Variant type: single nucleotide variant.
Coding change: c.4559C>T on transcript NM_000094.4 (MANE Select); coding-DNA position 4559, C replaced by T.
Protein change: p.Pro1520Leu; replaces proline 1520 with leucine.
Molecular consequence: missense variant.
Genome position (GRCh38, 1-based): chr3:48,582,613, G>A on the plus strand (C>T on the coding strand, the complement: COL7A1 is on the minus strand). VCF-style: chr3-48582613-G-A. GRCh37 (hg19) VCF-style: chr3-48620046-G-A.
Other names: short protein forms P1520L.
Identifiers: ClinVar variation 746194 (VCV000746194.45), dbSNP rs140114392, ClinGen allele CA2379961.

ClinVar aggregate classification (germline): Likely benign. Review status: criteria provided, multiple submitters, no conflicts (2 of 4 stars). 9 submissions from 9 submitters: Likely benign (6). 3 of the submissions do not count toward it. Last evaluated 2026-02-01.

Conditions:
COL7A1-related disorder. Also called: COL7A1-related condition; COL7A1- related disorders.
Epidermolysis bullosa dystrophica. Also called: Dystrophic epidermolysis bullosa; Dystrophic epidermolysis bullosa, Hallopeau-Siemens type (formerly). Identifiers: Orphanet 303, MedGen C0079294, MONDO:0006543.

Allele frequency attached by ClinVar (database versions not stated): gnomAD exomes 0.00013 and 0.00037; ExAC 0.00042; gnomAD 0.00111 and 0.00113; TOPMed 0.00128; 1000 Genomes Project 0.00140; ESP Exome Variant Server 0.00185.
gnomAD v4.1: 397 of 1,613,640 alleles (0.025%); highest among the groups gnomAD compares: African/African-American, 0.41%; 3 homozygotes.

Submissions (9):

CeGaT Center for Human Genetics Tuebingen
Classification: Likely benign. Last evaluated: 2026-02-01. Review status: criteria provided, single submitter. Criteria: CeGaT Center For Human Genetics Tuebingen Variant Classification Criteria Version 2. Collection method: clinical testing. Allele origin: germline. Affected: yes. Observed: 3 variant alleles.
Comment: COL7A1: BS2

Labcorp Genetics (formerly Invitae), Labcorp
Classification: Likely benign. Last evaluated: 2026-01-26. Review status: criteria provided, single submitter. Criteria: Invitae Variant Classification Sherloc (09022015). Collection method: clinical testing. Allele origin: germline.

Genomic Medicine Center of Excellence, King Faisal Specialist Hospital and Research Centre
Classification: Likely benign. Last evaluated: 2025-08-18. Review status: criteria provided, single submitter. Criteria: ACMG Guidelines, 2015. Collection method: clinical testing. Allele origin: germline.

Blueprint Genetics
Classification: Likely benign. Last evaluated: 2024-10-23. Review status: criteria provided, single submitter. Criteria: ACMG Guidelines, 2015. Collection method: clinical testing. Allele origin: germline.

Illumina Laboratory Services, Illumina
Classification: Likely benign for Dystrophic epidermolysis bullosa. Last evaluated: 2018-01-13. Review status: criteria provided, single submitter. Criteria: ICSL Variant Classification Criteria 13 December 2019. Collection method: clinical testing. Allele origin: germline.
Comment: This variant was observed in the ICSL laboratory as part of a predisposition screen in an ostensibly healthy population. It had not been previously curated by ICSL or reported in the Human Gene Mutation Database (HGMD: prior to June 1st, 2018), and was therefore a candidate for classification through an automated scoring system. Utilizing variant allele frequency, disease prevalence and penetrance estimates, and inheritance mode, an automated score was calculated to assess if this variant is too frequent to cause the disease. Based on the score and internal cut-off values, a variant classified as likely benign is not then subjected to further curation. The score for this variant resulted in a classification of likely benign for this disease.

Breakthrough Genomics
Classification: Likely benign. Review status: criteria provided, single submitter. Criteria: ACMG Guidelines, 2015. Collection method: not provided. Allele origin: germline. Inheritance: Autosomal recessive inheritance. Affected: yes.

PreventionGenetics, part of Exact Sciences
Classification: Likely benign for COL7A1-related condition. Last evaluated: 2022-12-10. Review status: no assertion criteria provided. Collection method: clinical testing. Allele origin: germline. Not counted in ClinVar's aggregate classification.
Comment: This variant is classified as likely benign based on ACMG/AMP sequence variant interpretation guidelines (Richards et al. 2015 PMID: 25741868, with internal and published modifications).

Natera, Inc.
Classification: Benign for Dystrophic epidermolysis bullosa. Last evaluated: 2020-05-02. Review status: no assertion criteria provided. Collection method: clinical testing. Allele origin: germline. Not counted in ClinVar's aggregate classification.

Department of Pathology and Laboratory Medicine, Sinai Health System
Classification: Uncertain significance. Review status: no assertion criteria provided. Collection method: clinical testing. Allele origin: unknown. Affected: yes. Study: The Canadian Open Genetics Repository (COGR). Not counted in ClinVar's aggregate classification.
Comment: The COL7A1 p.Pro1520Leu variant was not identified in the literature nor was it identified in ClinVar or LOVD 3.0. The variant was identified in dbSNP (ID: rs140114392) and in control databases in 130 of 282088 chromosomes (1 homozygous) at a frequency of 0.0004608 increasing the likelihood this could be a low frequency benign variant (Genome Aggregation Database March 6, 2019, v2.1.1). The variant was observed in the following populations: African in 106 of 24878 chromosomes (freq: 0.004261), Other in 5 of 7204 chromosomes (freq: 0.000694), Latino in 7 of 35420 chromosomes (freq: 0.000198), European (non-Finnish) in 10 of 128598 chromosomes (freq: 0.000078) and South Asian in 2 of 30588 chromosomes (freq: 0.000065), but was not observed in the Ashkenazi Jewish, East Asian, and European (Finnish) populations. The p.Pro1520 residue is not conserved in mammals and computational analyses (PolyPhen-2, SIFT, AlignGVGD, BLOSUM, MutationTaster) provide inconsistent predictions regarding the impact to the protein; this information is not very predictive of pathogenicity. The variant occurs outside of the splicing consensus sequence and in silico or computational prediction software programs (SpliceSiteFinder, MaxEntScan, NNSPLICE, GeneSplicer) do not predict a difference in splicing. In summary, based on the above information the clinical significance of this variant cannot be determined with certainty at this time although we would lean towards a more benign role for this variant. This variant is classified as likely benign.